The following is an entry in ClinVar:

ClinVar aggregate classification (germline): Uncertain significance. Review status: criteria provided, multiple submitters, no conflicts (2 of 4 stars). 2 submissions from 2 submitters: Uncertain significance (2). Last evaluated 2025-04-24.

Conditions:
Developmental and epileptic encephalopathy, 31A. Also called: Epileptic encephalopathy, early infantile, 31; Developmental and epileptic encephalopathy, 31. Identifiers: Orphanet 2382, MedGen C4225357, MONDO:0014598, OMIM 616346.

Allele frequency attached by ClinVar (database versions not stated): TOPMed below 0.00001; gnomAD exomes 0.00001; ExAC 0.00002; ESP Exome Variant Server 0.00008.
gnomAD v4.1: 3 of 1,614,086 alleles (0.00019%); highest among the groups gnomAD compares: Admixed American, 0.005%; no homozygotes.

Submissions (2):

GeneDx
Classification: Uncertain significance. Last evaluated: 2025-04-24. Review status: criteria provided, single submitter. Criteria: GeneDx Variant Classification Process June 2021. Collection method: clinical testing. Allele origin: germline. Affected: yes.
Comment: In silico analysis supports that this missense variant has a deleterious effect on protein structure/function; Has not been previously published as pathogenic or benign to our knowledge

Labcorp Genetics (formerly Invitae), Labcorp
Classification: Uncertain significance for Developmental and epileptic encephalopathy, 31A. Last evaluated: 2023-01-20. Review status: criteria provided, single submitter. Criteria: Invitae Variant Classification Sherloc (09022015). Collection method: clinical testing. Allele origin: germline.
Comment: In summary, the available evidence is currently insufficient to determine the role of this variant in disease. Therefore, it has been classified as a Variant of Uncertain Significance. Advanced modeling of protein sequence and biophysical properties (such as structural, functional, and spatial information, amino acid conservation, physicochemical variation, residue mobility, and thermodynamic stability) performed at Invitae indicates that this missense variant is not expected to disrupt DNM1 protein function. This variant has not been reported in the literature in individuals affected with DNM1-related conditions. This variant is present in population databases (rs373492406, gnomAD 0.009%). This sequence change replaces proline, which is neutral and non-polar, with leucine, which is neutral and non-polar, at codon 319 of the DNM1 protein (p.Pro319Leu).

NM_004408.4(DNM1):c.956C>T (p.Pro319Leu)

Gene: DNM1 (dynamin 1; plus strand). Cytogenetic location: 9q34.11.
Variant type: single nucleotide variant.
Coding change: c.956C>T on transcript NM_004408.4 (MANE Select); coding-DNA position 956, C replaced by T.
Protein change: p.Pro319Leu; replaces proline 319 with leucine.
Molecular consequence: missense variant.
Genome position (GRCh38, 1-based): chr9:128,222,303, C>T. VCF-style: chr9-128222303-C-T. GRCh37 (hg19) VCF-style: chr9-130984582-C-T.
Other names: c.956C>T, p.Pro319Leu (NM_001005336.3, NM_001288737.2, NM_001288738.2 and 2 more transcripts); c.956C>T (NM_004408.3); short protein forms P319L.
Identifiers: ClinVar variation 2989013 (VCV002989013.4), dbSNP rs373492406, ClinGen allele CA5257935.